The following is an entry in ClinVar:

NM_020822.3(KCNT1):c.879G>A (p.Glu293=)

Gene: KCNT1 (potassium sodium-activated channel subfamily T member 1; plus strand). Cytogenetic location: 9q34.3.
Variant type: single nucleotide variant.
Coding change: c.879G>A on transcript NM_020822.3 (MANE Select); coding-DNA position 879, G replaced by A.
Protein change: p.Glu293=; no amino-acid change (glutamic acid 293 retained).
Molecular consequence: synonymous variant.
Genome position (GRCh38, 1-based): chr9:135,759,703, G>A. VCF-style: chr9-135759703-G-A. GRCh37 (hg19) VCF-style: chr9-138651549-G-A.
Other names: c.744G>A, p.Glu248= (NM_001272003.2).
Identifiers: ClinVar variation 387823 (VCV000387823.11), dbSNP rs557092185, ClinGen allele CA5326701.

ClinVar aggregate classification (germline): Likely benign. Review status: criteria provided, multiple submitters, no conflicts (2 of 4 stars). 4 submissions from 3 submitters: Likely benign (4). Last evaluated 2026-02-03.

Conditions:
Developmental and epileptic encephalopathy, 14 (DEE14). Also called: Early infantile epileptic encephalopathy 14. Identifiers: Orphanet 293181, MedGen C3554195, MONDO:0013989, OMIM 614959.
Autosomal dominant nocturnal frontal lobe epilepsy 5. Also called: KCNT1-Related Epilepsy; CILIARY DYSKINESIA, PRIMARY, 28, WITHOUT SITUS INVERSUS; CILIARY DYSKINESIA, PRIMARY, 28, WITH SITUS INVERSUS; Epilepsy, nocturnal frontal lobe, 5. Identifiers: Orphanet 98784, MedGen C3554306, MONDO:0014002, OMIM 615005.

Allele frequency attached by ClinVar (database versions not stated): gnomAD 0.00001; gnomAD exomes 0.00001 and 0.00002; TOPMed 0.00001; ExAC 0.00003; 1000 Genomes Project 30x 0.00016; 1000 Genomes Project 0.00020.
gnomAD v4.1: 16 of 1,611,162 alleles (0.00099%); highest among the groups gnomAD compares: East Asian, 0.018%; no homozygotes.

Submissions (4):

Labcorp Genetics (formerly Invitae), Labcorp
Classification: Likely benign for Autosomal dominant nocturnal frontal lobe epilepsy 5; Developmental and epileptic encephalopathy, 14. Last evaluated: 2026-02-03. Review status: criteria provided, single submitter. Criteria: Invitae Variant Classification Sherloc (09022015). Collection method: clinical testing. Allele origin: germline.

Genome-Nilou Lab
Classification: Likely benign for Developmental and epileptic encephalopathy, 14. Last evaluated: 2022-03-15. Review status: criteria provided, single submitter. Criteria: ACMG Guidelines, 2015. Collection method: clinical testing. Allele origin: germline. Affected: no.

Genome-Nilou Lab
Classification: Likely benign for Autosomal dominant nocturnal frontal lobe epilepsy 5. Last evaluated: 2022-03-15. Review status: criteria provided, single submitter. Criteria: ACMG Guidelines, 2015. Collection method: clinical testing. Allele origin: germline. Affected: no.

GeneDx
Classification: Likely benign. Last evaluated: 2016-07-18. Review status: criteria provided, single submitter. Criteria: GeneDx Variant Classification (06012015). Collection method: clinical testing. Allele origin: germline. Affected: yes.
Comment: This variant is considered likely benign or benign based on one or more of the following criteria: it is a conservative change, it occurs at a poorly conserved position in the protein, it is predicted to be benign by multiple in silico algorithms, and/or has population frequency not consistent with disease.